The following is an entry in ClinVar:

NM_001136472.2(LITAF):c.389G>C (p.Gly130Ala)

Gene: LITAF (lipopolysaccharide induced TNF factor; minus strand). Cytogenetic location: 16p13.13.
Variant type: single nucleotide variant.
Coding change: c.389G>C on transcript NM_001136472.2 (MANE Select); coding-DNA position 389, G replaced by C.
Protein change: p.Gly130Ala; replaces glycine 130 with alanine.
Molecular consequence: missense variant. On other transcripts: 3 prime UTR variant (1), non-coding transcript variant (1).
Genome position (GRCh38, 1-based): chr16:11,549,734, C>G on the plus strand (G>C on the coding strand, the complement: LITAF is on the minus strand). VCF-style: chr16-11549734-C-G. GRCh37 (hg19) VCF-style: chr16-11643590-C-G.
Other names: c.*28G>C (NM_001136473.1); c.389G>C, p.Gly130Ala (NM_004862.4); short protein forms G130A.
Identifiers: ClinVar variation 1355091 (VCV001355091.8), dbSNP rs2141682573, ClinGen allele CA394763662.
Genomic context (GRCh38, chr16:11,549,734, plus strand): 5'-TTGGGACAGTAATGGTCCACGTCCTGCAGGGCATCCACGCAGAAGGGGATGAAGCAGCAG[C>G]CCGCTATGCACCTGGGAGGAGAGAGAGACACACGGAGCGCGTTACTGATCACAACAGGGT-3'
Protein context (NP_001129944.1, residues 120-140): GSLCLLGCIA[Gly130Ala]CCFIPFCVDA

ClinVar aggregate classification (germline): Uncertain significance (1 of 4 stars; one submission).

Conditions:
Charcot-Marie-Tooth disease type 1C. Also called: CHARCOT-MARIE-TOOTH DISEASE, DEMYELINATING, TYPE 1C; CMT, SLOW NERVE CONDUCTION TYPE C; Charcot-Marie-Tooth disease, type IC; CHARCOT-MARIE-TOOTH NEUROPATHY, TYPE 1C; NEUROPATHY, HEREDITARY MOTOR AND SENSORY, TYPE IC; HMSN IC. Identifiers: Orphanet 101083, MedGen C0270913, MONDO:0010995, OMIM 601098.

Submission:

Labcorp Genetics (formerly Invitae), Labcorp
Classification: Uncertain significance for Charcot-Marie-Tooth disease type 1C. Last evaluated: 2021-05-19. Review status: criteria provided, single submitter. Criteria: Invitae Variant Classification Sherloc (09022015). Collection method: clinical testing. Allele origin: germline.
Comment: In summary, the available evidence is currently insufficient to determine the role of this variant in disease. Therefore, it has been classified as a Variant of Uncertain Significance. Algorithms developed to predict the effect of missense changes on protein structure and function are either unavailable or do not agree on the potential impact of this missense change (SIFT: "Tolerated"; PolyPhen-2: "Probably Damaging"; Align-GVGD: "Class C0"). This variant has not been reported in the literature in individuals with LITAF-related conditions. This variant is not present in population databases (ExAC no frequency). This sequence change replaces glycine with alanine at codon 130 of the LITAF protein (p.Gly130Ala). The glycine residue is moderately conserved and there is a small physicochemical difference between glycine and alanine.